The following is an entry in ClinVar:

NM_000038.6(APC):c.3934G>A (p.Gly1312Arg)

Gene: APC (APC regulator of Wnt signaling pathway; plus strand). Cytogenetic location: 5q22.2.
Variant type: single nucleotide variant.
Coding change: c.3934G>A on transcript NM_000038.6 (MANE Select); coding-DNA position 3934, G replaced by A.
Protein change: p.Gly1312Arg; replaces glycine 1312 with arginine.
Molecular consequence: missense variant. On other transcripts: non-coding transcript variant (2).
Genome position (GRCh38, 1-based): chr5:112,839,528, G>A. VCF-style: chr5-112839528-G-A. GRCh37 (hg19) VCF-style: chr5-112175225-G-A.
Other names: c.3934G>A, p.Gly1312Arg (NM_001127510.3, NM_001354895.2, NM_001407450.1); c.3880G>A, p.Gly1294Arg (NM_001127511.3); c.3988G>A, p.Gly1330Arg (NM_001354896.2, NM_001407447.1, NM_001407448.1 and 1 more transcripts); c.3964G>A, p.Gly1322Arg (NM_001354897.2); c.3859G>A, p.Gly1287Arg (NM_001354898.2); c.3850G>A, p.Gly1284Arg (NM_001354899.2); c.3811G>A, p.Gly1271Arg (NM_001354900.2); c.3757G>A, p.Gly1253Arg (NM_001354901.2, NM_001407453.1); and 11 more; short protein forms G1152R, G1211R, G1221R, G1253R, G1271R, G1284R, G1322R, G928R.
Identifiers: ClinVar variation 3408857 (VCV003408857.1).

ClinVar aggregate classification (germline): Uncertain significance (1 of 4 stars; one submission).

Conditions:
Hereditary cancer-predisposing syndrome. Also called: Neoplastic Syndromes, Hereditary; Tumor predisposition; Hereditary Cancer Syndrome; Hereditary neoplastic syndrome. Identifiers: Orphanet 140162, MedGen C0027672, MeSH D009386, MONDO:0015356.

gnomAD v4.1: 1 of 1,614,166 alleles (0.000062%); highest among the groups gnomAD compares: Non-Finnish European, 0.000085%; no homozygotes.

Submission:

Ambry Genetics
Classification: Uncertain significance for Hereditary cancer-predisposing syndrome. Last evaluated: 2024-10-17. Review status: criteria provided, single submitter. Criteria: Ambry Variant Classification Scheme 2023. Collection method: clinical testing. Allele origin: germline.
Comment: The p.G1312R variant (also known as c.3934G>A), located in coding exon 15 of the APC gene, results from a G to A substitution at nucleotide position 3934. The glycine at codon 1312 is replaced by arginine, an amino acid with dissimilar properties. This amino acid position is not well conserved in available vertebrate species. In addition, in silico predictors for this gene do not accurately predict pathogenicity. Missense alterations in APC are not a common cause of disease (Spier I et al. Genet Med. 2024 Feb;26(2):100992). Based on the available evidence, the clinical significance of this variant remains unclear.